The following is an entry in ClinVar:

NM_001165963.4(SCN1A):c.5372T>C (p.Val1791Ala)

Genes: SCN1A (sodium voltage-gated channel alpha subunit 1; minus strand), LOC102724058 (uncharacterized LOC102724058; plus strand). Cytogenetic location: 2q24.3.
Variant type: single nucleotide variant.
Coding change: c.5372T>C on transcript NM_001165963.4 (MANE Select); coding-DNA position 5372, T replaced by C.
Protein change: p.Val1791Ala; replaces valine 1791 with alanine.
Molecular consequence: missense variant. On other transcripts: non-coding transcript variant (1).
Genome position (GRCh38, 1-based): chr2:165,991,903, A>G on the plus strand (T>C on the coding strand, the complement: SCN1A is on the minus strand). VCF-style: chr2-165991903-A-G. GRCh37 (hg19) VCF-style: chr2-166848413-A-G.
Other names: c.5288T>C, p.Val1763Ala (NM_001165964.3, NM_001353957.2, NM_001353958.2); c.5372T>C, p.Val1791Ala (NM_001202435.3, NM_001353948.2); c.5339T>C, p.Val1780Ala (NM_001353949.2, NM_001353950.2, NM_001353951.2 and 2 more transcripts); c.5336T>C, p.Val1779Ala (NM_001353954.2, NM_001353955.2); c.5285T>C, p.Val1762Ala (NM_001353960.2); c.2930T>C, p.Val977Ala (NM_001353961.2); short protein forms V1762A, V1763A, V1779A, V1780A, V1791A, V977A.
Identifiers: ClinVar variation 4532349 (VCV004532349.1).

ClinVar aggregate classification (germline): Uncertain significance (1 of 4 stars; one submission).

Submission:

GeneDx
Classification: Uncertain significance. Last evaluated: 2025-05-25. Review status: criteria provided, single submitter. Criteria: GeneDx Variant Classification Process June 2021. Collection method: clinical testing. Allele origin: germline. Affected: yes.
Comment: Not observed at significant frequency in large population cohorts (gnomAD); In silico analysis supports that this missense variant has a deleterious effect on protein structure/function; This substitution is predicted to be within the C-terminal cytoplasmic domain; Has not been previously published as pathogenic or benign to our knowledge